The following is an entry in ClinVar:

NM_003070.5(SMARCA2):c.173C>T (p.Pro58Leu)

Gene: SMARCA2 (SWI/SNF related BAF chromatin remodeling complex subunit ATPase 2; plus strand). Cytogenetic location: 9p24.3.
Variant type: single nucleotide variant.
Coding change: c.173C>T on transcript NM_003070.5 (MANE Select); coding-DNA position 173, C replaced by T.
Protein change: p.Pro58Leu; replaces proline 58 with leucine.
Molecular consequence: missense variant.
Genome position (GRCh38, 1-based): chr9:2,029,195, C>T. VCF-style: chr9-2029195-C-T. GRCh37 (hg19) VCF-style: chr9-2029195-C-T.
Other names: c.173C>T, p.Pro58Leu (NM_001289397.2, NM_139045.4, NM_001289396.2); short protein forms P58L.
Identifiers: ClinVar variation 1365866 (VCV001365866.24), dbSNP rs764338204, ClinGen allele CA4962766.

ClinVar aggregate classification (germline): Likely benign. Review status: criteria provided, multiple submitters, no conflicts (2 of 4 stars). 2 submissions from 2 submitters: Likely benign (2). Last evaluated 2024-07-01.

Allele frequency attached by ClinVar (database versions not stated): ExAC 0.00001; gnomAD 0.00001; TOPMed 0.00002.
gnomAD v4.1: 17 of 1,613,264 alleles (0.0011%); highest among the groups gnomAD compares: Middle Eastern, 0.016%; no homozygotes.

Submissions (2):

CeGaT Center for Human Genetics Tuebingen
Classification: Likely benign. Last evaluated: 2024-07-01. Review status: criteria provided, single submitter. Criteria: CeGaT Center For Human Genetics Tuebingen Variant Classification Criteria Version 2. Collection method: clinical testing. Allele origin: germline. Affected: yes. Observed: 1 variant allele.
Comment: SMARCA2: BP4, BS2

Labcorp Genetics (formerly Invitae), Labcorp
Classification: Likely benign. Last evaluated: 2023-10-03. Review status: criteria provided, single submitter. Criteria: Invitae Variant Classification Sherloc (09022015). Collection method: clinical testing. Allele origin: germline.